The following is an entry in ClinVar:

ClinVar aggregate classification (germline): Conflicting classifications of pathogenicity. Review status: criteria provided, conflicting classifications (1 of 4 stars). 3 submissions from 3 submitters: Uncertain significance (1); Likely benign (1). 1 of the submissions does not count toward it. Last evaluated 2025-09-13.

Conditions:
MYO7A-related disorder. Also called: MYO7A-related disorders.

Allele frequency attached by ClinVar (database versions not stated): TOPMed 0.00002; ExAC 0.00003; gnomAD exomes 0.00004.
gnomAD v4.1: 11 of 1,613,876 alleles (0.00068%); highest among the groups gnomAD compares: Admixed American, 0.018%; no homozygotes.

Submissions (3):

Labcorp Genetics (formerly Invitae), Labcorp
Classification: Likely benign. Last evaluated: 2025-09-13. Review status: criteria provided, single submitter. Criteria: Invitae Variant Classification Sherloc (09022015). Collection method: clinical testing. Allele origin: germline.

Blueprint Genetics
Classification: Uncertain significance. Last evaluated: 2019-06-03. Review status: criteria provided, single submitter. Criteria: ACMG Guidelines, 2015. Collection method: clinical testing. Allele origin: germline.

PreventionGenetics, part of Exact Sciences
Classification: Likely benign for MYO7A-related condition. Last evaluated: 2019-09-23. Review status: no assertion criteria provided. Collection method: clinical testing. Allele origin: germline. Not counted in ClinVar's aggregate classification.
Comment: This variant is classified as likely benign based on ACMG/AMP sequence variant interpretation guidelines (Richards et al. 2015 PMID: 25741868, with internal and published modifications).

NM_000260.4(MYO7A):c.4539C>T (p.Phe1513=)

Gene: MYO7A (myosin VIIA; plus strand). Cytogenetic location: 11q13.5.
Variant type: single nucleotide variant.
Coding change: c.4539C>T on transcript NM_000260.4 (MANE Select); coding-DNA position 4539, C replaced by T.
Protein change: p.Phe1513=; no amino-acid change (phenylalanine 1513 retained).
Molecular consequence: synonymous variant.
Genome position (GRCh38, 1-based): chr11:77,198,592, C>T. VCF-style: chr11-77198592-C-T. GRCh37 (hg19) VCF-style: chr11-76909637-C-T.
Other names: c.4539C>T, p.Phe1513= (NM_001127180.2); c.4506C>T, p.Phe1502= (NM_001369365.1).
Identifiers: ClinVar variation 739436 (VCV000739436.11), dbSNP rs780198980, ClinGen allele CA6198468.